The following is an entry in ClinVar:

NM_000426.4(LAMA2):c.2595C>A (p.Cys865Ter)

Gene: LAMA2 (laminin subunit alpha 2; plus strand). Cytogenetic location: 6q22.33.
Variant type: single nucleotide variant.
Coding change: c.2595C>A on transcript NM_000426.4 (MANE Select); coding-DNA position 2595, C replaced by A.
Protein change: p.Cys865Ter; replaces cysteine 865 with a stop codon.
Molecular consequence: nonsense.
Genome position (GRCh38, 1-based): chr6:129,287,904, C>A. VCF-style: chr6-129287904-C-A. GRCh37 (hg19) VCF-style: chr6-129609049-C-A.
Other names: c.2595C>A, p.Cys865Ter (NM_001079823.2); short protein forms C865*.
Identifiers: ClinVar variation 1323176 (VCV001323176.8), dbSNP rs1789391655, ClinGen allele CA365609813.

ClinVar aggregate classification (germline): Pathogenic. Review status: criteria provided, multiple submitters, no conflicts (2 of 4 stars). 3 submissions from 3 submitters: Pathogenic (3). Last evaluated 2024-05-08.

Conditions:
LAMA2-related muscular dystrophy (LAMA2-RD). Also called: Laminin alpha 2-related dystrophy. Identifiers: MedGen C5679788, MONDO:0100228.

Allele frequency attached by ClinVar (database versions not stated): gnomAD exomes below 0.00001.
gnomAD v4.1: 1 of 1,614,006 alleles (0.000062%); highest among the groups gnomAD compares: South Asian, 0.0011%; no homozygotes.

Submissions (3):

Myriad Genetics, Inc.
Classification: Pathogenic for LAMA2-related muscular dystrophy. Last evaluated: 2024-05-08. Review status: criteria provided, single submitter. Criteria: Myriad Autosomal Dominant, Autosomal Recessive and X-Linked Classification Criteria (2023). Collection method: clinical testing. Allele origin: unknown.
Comment: NM_000426.3(LAMA2):c.2595C>A(C865*) is expected to be pathogenic in the context of muscular dystrophy, LAMA2-related. This variant is predicted to lead to an abnormal or absent protein product due to the creation of a premature termination codon in LAMA2, a gene where loss-of-function variants are known to be pathogenic. Please note: this variant was assessed in the context of healthy population screening.

Labcorp Genetics (formerly Invitae), Labcorp
Classification: Pathogenic for LAMA2-related muscular dystrophy. Last evaluated: 2023-11-13. Review status: criteria provided, single submitter. Criteria: Invitae Variant Classification Sherloc (09022015). Collection method: clinical testing. Allele origin: germline.
Comment: This sequence change creates a premature translational stop signal (p.Cys865*) in the LAMA2 gene. It is expected to result in an absent or disrupted protein product. Loss-of-function variants in LAMA2 are known to be pathogenic (PMID: 18700894, 32904964). This variant is not present in population databases (gnomAD no frequency). This variant has not been reported in the literature in individuals affected with LAMA2-related conditions. ClinVar contains an entry for this variant (Variation ID: 1323176). For these reasons, this variant has been classified as Pathogenic.

Revvity Omics, Revvity
Classification: Pathogenic. Last evaluated: 2020-12-02. Review status: criteria provided, single submitter. Criteria: ACMG Guidelines, 2015. Collection method: clinical testing. Allele origin: germline.

Literature cited by the submitters: PubMed 18700894 (cited by Labcorp Genetics (formerly Invitae), Labcorp); PubMed 32904964 (cited by Labcorp Genetics (formerly Invitae), Labcorp).